The following is an entry in ClinVar:

NM_000238.4(KCNH2):c.643G>A (p.Val215Met)

Gene: KCNH2 (potassium voltage-gated channel subfamily H member 2; minus strand). Cytogenetic location: 7q36.1.
Variant type: single nucleotide variant.
Coding change: c.643G>A on transcript NM_000238.4 (MANE Select); coding-DNA position 643, G replaced by A.
Protein change: p.Val215Met; replaces valine 215 with methionine.
Molecular consequence: missense variant. On other transcripts: non-coding transcript variant (1).
Genome position (GRCh38, 1-based): chr7:150,958,332, C>T on the plus strand (G>A on the coding strand, the complement: KCNH2 is on the minus strand). VCF-style: chr7-150958332-C-T. GRCh37 (hg19) VCF-style: chr7-150655420-C-T.
Other names: c.355G>A, p.Val119Met (NM_001406753.1, NM_001406756.1); c.466G>A, p.Val156Met (NM_001406755.1); c.343G>A, p.Val115Met (NM_001406757.1); c.643G>A, p.Val215Met (NM_172056.3); c.643G>A (NM_000238.2); short protein forms V119M, V156M, V215M, V115M.
Identifiers: ClinVar variation 3654094 (VCV003654094.4).

ClinVar aggregate classification (germline): Uncertain significance. Review status: criteria provided, multiple submitters, no conflicts (2 of 4 stars). 2 submissions from 2 submitters: Uncertain significance (2). Last evaluated 2026-07-29.

Conditions:
Long QT syndrome (LQTS). Identifiers: MedGen C0023976, MeSH D008133, MONDO:0002442. Disease mechanism: loss of function. Inheritance: Various modes of inheritance.

Submissions (2):

GeneDx
Classification: Uncertain significance. Last evaluated: 2026-07-29. Review status: criteria provided, single submitter. Criteria: GeneDx Variant Classification Process June 2021. Collection method: clinical testing. Allele origin: germline.
Comment: Not observed at significant frequency in large population cohorts (gnomAD); In silico analysis suggests that this missense variant does not alter protein structure/function; Has not been previously published as pathogenic or benign to our knowledge

Labcorp Genetics (formerly Invitae), Labcorp
Classification: Uncertain significance for Long QT syndrome. Last evaluated: 2024-09-10. Review status: criteria provided, single submitter. Criteria: Invitae Variant Classification Sherloc (09022015). Collection method: clinical testing. Allele origin: germline.
Comment: This sequence change replaces valine, which is neutral and non-polar, with methionine, which is neutral and non-polar, at codon 215 of the KCNH2 protein (p.Val215Met). This variant is not present in population databases (gnomAD no frequency). This variant has not been reported in the literature in individuals affected with KCNH2-related conditions. An algorithm developed to predict the effect of missense changes on protein structure and function outputs the following: PolyPhen-2: "Benign". The methionine amino acid residue is found in multiple mammalian species, which suggests that this missense change does not adversely affect protein function. In summary, the available evidence is currently insufficient to determine the role of this variant in disease. Therefore, it has been classified as a Variant of Uncertain Significance.